The following is an entry in ClinVar:

NM_000179.3(MSH6):c.1667A>G (p.Tyr556Cys)

Gene: MSH6 (mutS homolog 6; plus strand). Cytogenetic location: 2p16.3.
Variant type: single nucleotide variant.
Coding change: c.1667A>G on transcript NM_000179.3 (MANE Select); coding-DNA position 1667, A replaced by G.
Protein change: p.Tyr556Cys; replaces tyrosine 556 with cysteine.
Molecular consequence: missense variant.
Genome position (GRCh38, 1-based): chr2:47,799,650, A>G. VCF-style: chr2-47799650-A-G. GRCh37 (hg19) VCF-style: chr2-48026789-A-G.
Other names: p.Y556C:TAT>TGT; c.1277A>G, p.Tyr426Cys (NM_001281492.2); c.761A>G, p.Tyr254Cys (NM_001281493.2, NM_001281494.2); short protein forms Y556C, Y254C, Y426C.
Identifiers: ClinVar variation 182624 (VCV000182624.24), dbSNP rs63751312, ClinGen allele CA009030.

ClinVar aggregate classification (germline): Conflicting classifications of pathogenicity. Review status: criteria provided, conflicting classifications (1 of 4 stars). 9 submissions from 9 submitters: Uncertain significance (7); Likely benign (1). 1 of the submissions does not count toward it. Last evaluated 2025-10-07.

Conditions:
Hereditary nonpolyposis colorectal neoplasms. Identifiers: MedGen C0009405, MeSH D003123.
Hereditary cancer-predisposing syndrome. Also called: Tumor predisposition; Hereditary neoplastic syndrome; Neoplastic Syndromes, Hereditary; Hereditary Cancer Syndrome. Identifiers: Orphanet 140162, MedGen C0027672, MeSH D009386, MONDO:0015356.
Lynch syndrome. Identifiers: Orphanet 144, MedGen C4552100, MONDO:0005835. Disease mechanism: loss of function.
Carcinoma of colon (CRC). Also called: Colonic carcinoma; Colon carcinoma. Identifiers: MedGen C0699790, MONDO:0002032.
Endometrial carcinoma. Also called: Endometrial carcinoma, somatic. Identifiers: MedGen C0476089, MONDO:0002447, OMIM 608089, HP:0012114.

Allele frequency attached by ClinVar (database versions not stated): gnomAD exomes below 0.00001; ExAC 0.00001.

Submissions (9):

Labcorp Genetics (formerly Invitae), Labcorp
Classification: Likely benign for Hereditary nonpolyposis colorectal neoplasms. Last evaluated: 2025-10-07. Review status: criteria provided, single submitter. Criteria: Invitae Variant Classification Sherloc (09022015). Collection method: clinical testing. Allele origin: germline.

Women's Health and Genetics/Laboratory Corporation of America, LabCorp
Classification: Uncertain significance. Last evaluated: 2025-07-24. Review status: criteria provided, single submitter. Criteria: LabCorp Variant Classification Summary - May 2015. Collection method: clinical testing. Allele origin: germline.
Comment: Variant summary: MSH6 c.1667A>G (p.Tyr556Cys) results in a non-conservative amino acid change in the encoded protein sequence. Algorithms developed to predict the effect of missense changes on protein structure and function all suggest that this variant is likely to be disruptive. The variant allele was found at a frequency of 4e-06 in 250742 control chromosomes. The available data on variant occurrences in the general population are insufficient to allow any conclusion about variant significance. To our knowledge, no occurrence of c.1667A>G in individuals affected with Lynch Syndrome and no experimental evidence demonstrating its impact on protein function have been reported. ClinVar contains an entry for this variant (Variation ID: 182624). Based on the evidence outlined above, the variant was classified as uncertain significance.

All of Us Research Program, National Institutes of Health
Classification: Uncertain significance for Lynch syndrome. Last evaluated: 2024-08-13. Review status: criteria provided, single submitter. Criteria: ACMG Guidelines, 2015. Collection method: clinical testing. Allele origin: germline. Inheritance: Autosomal dominant inheritance. Observed: 2 variant alleles, 2 heterozygotes.
Comment: This missense variant replaces tyrosine with cysteine at codon 556 of the MSH6 protein. Computational prediction suggests that this variant may have deleterious impact on protein structure and function (internally defined REVEL score threshold >= 0.7, PMID: 27666373). To our knowledge, functional studies have not been reported for this variant. This variant has not been reported in individuals affected with MSH6-related disorders in the literature. This variant has been identified in 1/250742 chromosomes in the general population by the Genome Aggregation Database (gnomAD). The available evidence is insufficient to determine the role of this variant in disease conclusively. Therefore, this variant is classified as a Variant of Uncertain Significance.

This study involves interpretation of variants in research participants for the purpose of population health screening. Participant phenotype was not available at the time of variant classification. Additional details can be found in publication PMID: 35346344, PMCID: PMC8962531

Color Diagnostics, LLC DBA Color Health
Classification: Uncertain significance for Hereditary cancer-predisposing syndrome. Last evaluated: 2024-07-31. Review status: criteria provided, single submitter. Criteria: ACMG Guidelines, 2015. Collection method: clinical testing. Allele origin: germline.
Comment: This missense variant replaces tyrosine with cysteine at codon 556 of the MSH6 protein. Computational prediction suggests that this variant may have deleterious impact on protein structure and function (internally defined REVEL score threshold >= 0.7, PMID: 27666373). To our knowledge, functional studies have not been reported for this variant. This variant has not been reported in individuals affected with MSH6-related disorders in the literature. This variant has been identified in 1/250742 chromosomes in the general population by the Genome Aggregation Database (gnomAD). The available evidence is insufficient to determine the role of this variant in disease conclusively. Therefore, this variant is classified as a Variant of Uncertain Significance.

Baylor Genetics
Classification: Uncertain significance for Endometrial carcinoma. Last evaluated: 2024-03-01. Review status: criteria provided, single submitter. Criteria: ACMG Guidelines, 2015. Collection method: clinical testing. Allele origin: unknown.

Ambry Genetics
Classification: Uncertain significance for Hereditary cancer-predisposing syndrome. Last evaluated: 2023-09-29. Review status: criteria provided, single submitter. Criteria: Ambry Variant Classification Scheme 2023. Collection method: clinical testing. Allele origin: germline.
Comment: The p.Y556C variant (also known as c.1667A>G), located in coding exon 4 of the MSH6 gene, results from an A to G substitution at nucleotide position 1667. The tyrosine at codon 556 is replaced by cysteine, an amino acid with highly dissimilar properties. This amino acid position is highly conserved in available vertebrate species. In addition, this alteration is predicted to be deleterious by in silico analysis. Since supporting evidence is limited at this time, the clinical significance of this alteration remains unclear.

Quest Diagnostics Nichols Institute San Juan Capistrano
Classification: Uncertain significance. Last evaluated: 2023-01-03. Review status: criteria provided, single submitter. Criteria: Quest Diagnostics criteria. Collection method: clinical testing. Allele origin: unknown.
Comment: The variant has not been reported in the published literature. The frequency of this variant in the general population, 0.000004 (1/250742 chromosomes), is uninformative in assessment of its pathogenicity. Analysis of this variant using bioinformatics tools for the prediction of the effect of amino acid changes on protein structure and function yielded predictions that this variant is damaging. Based on the available information, we are unable to determine the clinical significance of this variant.

GeneDx
Classification: Uncertain significance. Last evaluated: 2021-09-17. Review status: criteria provided, single submitter. Criteria: GeneDx Variant Classification Process June 2021. Collection method: clinical testing. Allele origin: germline. Affected: yes.
Comment: Not observed at significant frequency in large population cohorts (Lek 2016); In silico analysis supports that this missense variant has a deleterious effect on protein structure/function; Has not been previously published as pathogenic or benign to our knowledge; This variant is associated with the following publications: (PMID: 21120944, 17531815)

Department of Pathology and Laboratory Medicine, Sinai Health System
Classification: Uncertain significance for Carcinoma of colon. Review status: no assertion criteria provided. Collection method: clinical testing. Allele origin: unknown. Affected: yes. Observed: 1 variant allele. Study: The Canadian Open Genetics Repository (COGR). Not counted in ClinVar's aggregate classification.
Comment: The MSH6 p.Tyr556Cys variant was not identified in the literature nor was it identified in the GeneInsight-COGR, Cosmic, MutDB, UMD-LSDB, Zhejiang Colon Cancer Database, Mismatch Repair Genes Variant Database, or the Insight Hereditary Tumors Database. The variant identified in dbSNP (ID: rs63751312) as â€šÃ„ÃºWith Likely benign, Uncertain significance alleleâ€šÃ„Ã¹, and in ClinVar (classified as uncertain significance by GeneDx). The variant was identified in control databases in 1 of 246032 chromosomes at a frequency of 0.000004 (Genome Aggregation Database Feb 27, 2017). The variant was identified in the European population in 1 of 111516 chromosomes (freq: 0.00001), while the variant was not observed in the African, Other, Latino, Ashkenazi Jewish, East Asian, Finnish, and South Asian populations. The p.Tyr556 residue is conserved in mammals but not in more distantly related organisms, and computational analyses (PolyPhen-2, SIFT, AlignGVGD, BLOSUM, MutationTaster) suggest that the variant may impact the protein; however, this information is not predictive enough to assume pathogenicity. The variant occurs outside of the splicing consensus sequence and 2 of 5 in silico or computational prediction software programs (SpliceSiteFinder, MaxEntScan, NNSPLICE, GeneSplicer, HumanSpliceFinder) predict a greater than 10% difference in splicing; this is not very predictive of pathogenicity. In summary, based on the above information, the clinical significance of this variant cannot be determined with certainty at this time. This variant is classified as a variant of uncertain significance.